The following is an entry in ClinVar:

ClinVar aggregate classification (germline): Uncertain significance (1 of 4 stars; one submission).

Conditions:
Emery-Dreifuss muscular dystrophy 5, autosomal dominant (EDMD5). Also called: EMERY-DREIFUSS MUSCULAR DYSTROPHY 5. Identifiers: Orphanet 261, MedGen C2751805, MONDO:0013072, OMIM 612999.

Allele frequency attached by ClinVar (database versions not stated): ExAC 0.00001; gnomAD exomes 0.00001.
gnomAD v4.1: 5 of 1,614,180 alleles (0.00031%); highest among the groups gnomAD compares: Admixed American, 0.005%; no homozygotes.

Submission:

Labcorp Genetics (formerly Invitae), Labcorp
Classification: Uncertain significance for Emery-Dreifuss muscular dystrophy 5, autosomal dominant. Last evaluated: 2026-01-03. Review status: criteria provided, single submitter. Criteria: Invitae Variant Classification Sherloc (09022015). Collection method: clinical testing. Allele origin: germline.
Comment: This sequence change replaces alanine, which is neutral and non-polar, with serine, which is neutral and polar, at codon 4085 of the SYNE2 protein (p.Ala4085Ser). This variant is present in population databases (rs772564360, gnomAD 0.006%). This variant has not been reported in the literature in individuals affected with SYNE2-related conditions. ClinVar contains an entry for this variant (Variation ID: 860102). An algorithm developed to predict the effect of missense changes on protein structure and function outputs the following: PolyPhen-2: "Benign". The serine amino acid residue is found in multiple mammalian species, which suggests that this missense change does not adversely affect protein function. In summary, the available evidence is currently insufficient to determine the role of this variant in disease. Therefore, it has been classified as a Variant of Uncertain Significance.

NM_182914.3(SYNE2):c.12253G>T (p.Ala4085Ser)

Gene: SYNE2 (spectrin repeat containing nuclear envelope protein 2; plus strand). Cytogenetic location: 14q23.2.
Variant type: single nucleotide variant.
Coding change: c.12253G>T on transcript NM_182914.3 (MANE Select); coding-DNA position 12253, G replaced by T.
Protein change: p.Ala4085Ser; replaces alanine 4085 with serine.
Molecular consequence: missense variant.
Genome position (GRCh38, 1-based): chr14:64,098,093, G>T. VCF-style: chr14-64098093-G-T. GRCh37 (hg19) VCF-style: chr14-64564811-G-T.
Other names: c.12253G>T, p.Ala4085Ser (NM_015180.6); short protein forms A4085S.
Identifiers: ClinVar variation 860102 (VCV000860102.9), dbSNP rs772564360, ClinGen allele CA7222049.